The following is an entry in ClinVar:

ClinVar aggregate classification (germline): Uncertain significance (1 of 4 stars; one submission).

Allele frequency attached by ClinVar (database versions not stated): ExAC 0.00001; gnomAD 0.00001; TOPMed 0.00003; ESP Exome Variant Server 0.00008.
gnomAD v4.1: 2 of 1,613,692 alleles (0.00012%); highest among the groups gnomAD compares: African/African-American, 0.0027%; no homozygotes.

Submission:

Labcorp Genetics (formerly Invitae), Labcorp
Classification: Uncertain significance. Last evaluated: 2022-03-01. Review status: criteria provided, single submitter. Criteria: Invitae Variant Classification Sherloc (09022015). Collection method: clinical testing. Allele origin: germline.
Comment: This variant has not been reported in the literature in individuals affected with PKD1L1-related conditions. This variant is present in population databases (rs376930981, gnomAD 0.007%). This sequence change replaces aspartic acid, which is acidic and polar, with glycine, which is neutral and non-polar, at codon 1740 of the PKD1L1 protein (p.Asp1740Gly). Algorithms developed to predict the effect of missense changes on protein structure and function output the following: SIFT: "Tolerated"; PolyPhen-2: "Benign"; Align-GVGD: "Class C0". The glycine amino acid residue is found in multiple mammalian species, which suggests that this missense change does not adversely affect protein function. In summary, the available evidence is currently insufficient to determine the role of this variant in disease. Therefore, it has been classified as a Variant of Uncertain Significance.

NM_138295.5(PKD1L1):c.5219A>G (p.Asp1740Gly)

Gene: PKD1L1 (polycystin 1 like 1, transient receptor potential channel interacting; minus strand). Cytogenetic location: 7p12.3.
Variant type: single nucleotide variant.
Coding change: c.5219A>G on transcript NM_138295.5 (MANE Select); coding-DNA position 5219, A replaced by G.
Protein change: p.Asp1740Gly; replaces aspartic acid 1740 with glycine.
Molecular consequence: missense variant.
Genome position (GRCh38, 1-based): chr7:47,845,013, T>C on the plus strand (A>G on the coding strand, the complement: PKD1L1 is on the minus strand). VCF-style: chr7-47845013-T-C. GRCh37 (hg19) VCF-style: chr7-47884611-T-C.
Other names: short protein forms D1740G.
Identifiers: ClinVar variation 2105310 (VCV002105310.4), dbSNP rs376930981, ClinGen allele CA4252903.